The following is an entry in ClinVar:

ClinVar aggregate classification (germline): Pathogenic/Likely pathogenic. Review status: criteria provided, multiple submitters, no conflicts (2 of 4 stars). 5 submissions from 5 submitters: Pathogenic (4); Likely pathogenic (1). Last evaluated 2025-01-08.

Conditions:
Muscular dystrophy, limb-girdle, autosomal dominant 4. Also called: Calpain-3-related limb-girdle muscular dystrophy D4; MUSCULAR DYSTROPHY, LIMB-GIRDLE, TYPE 1I. Identifiers: Orphanet 565909, MedGen C4748295, MONDO:0029133, OMIM 618129.
Autosomal recessive limb-girdle muscular dystrophy type 2A (LGMDR1). Also called: Limb-girdle muscular dystrophy, type 2A; Calpainopathy; LEYDEN-MOEBIUS MUSCULAR DYSTROPHY; MUSCULAR DYSTROPHY, PELVOFEMORAL; Muscular dystrophy, limb-girdle, type 2A, Amish. Identifiers: Orphanet 267, MedGen C1869123, MONDO:0009675, OMIM 253600. Disease mechanism: loss of function.

Allele frequency attached by ClinVar (database versions not stated): TOPMed 0.00002.
gnomAD v4.1: 7 of 1,613,754 alleles (0.00043%); highest among the groups gnomAD compares: Non-Finnish European, 0.00059%; no homozygotes.

Submissions (5):

Labcorp Genetics (formerly Invitae), Labcorp
Classification: Pathogenic for Autosomal recessive limb-girdle muscular dystrophy type 2A. Last evaluated: 2025-01-08. Review status: criteria provided, single submitter. Criteria: Invitae Variant Classification Sherloc (09022015). Collection method: clinical testing. Allele origin: germline.
Comment: This sequence change creates a premature translational stop signal (p.Tyr745*) in the CAPN3 gene. It is expected to result in an absent or disrupted protein product. Loss-of-function variants in CAPN3 are known to be pathogenic (PMID: 10330340, 15689361). This variant is not present in population databases (gnomAD no frequency). This premature translational stop signal has been observed in individuals with autosomal recessive limb-girdle muscular dystrophy (PMID: 15689361). ClinVar contains an entry for this variant (Variation ID: 499202). For these reasons, this variant has been classified as Pathogenic.

Myriad Genetics, Inc.
Classification: Pathogenic for Autosomal recessive limb-girdle muscular dystrophy type 2A. Last evaluated: 2024-05-08. Review status: criteria provided, single submitter. Criteria: Myriad Autosomal Dominant, Autosomal Recessive and X-Linked Classification Criteria (2023). Collection method: clinical testing. Allele origin: unknown.
Comment: NM_000070.2(CAPN3):c.2235C>A(Y745*) is expected to be pathogenic in the context of calpainopathy. This variant is predicted to lead to an abnormal or absent protein product due to the creation of a premature termination codon in CAPN3, a gene where loss-of-function variants are known to be pathogenic. Please note: this variant was assessed in the context of healthy population screening.

Fulgent Genetics
Classification: Likely pathogenic for Autosomal recessive limb-girdle muscular dystrophy type 2A; Muscular dystrophy, limb-girdle, autosomal dominant 4. Last evaluated: 2024-02-15. Review status: criteria provided, single submitter. Criteria: ACMG Guidelines, 2015. Collection method: clinical testing. Allele origin: germline.

Baylor Genetics
Classification: Pathogenic for Muscular dystrophy, limb-girdle, autosomal dominant 4. Last evaluated: 2023-04-24. Review status: criteria provided, single submitter. Criteria: ACMG Guidelines, 2015. Collection method: clinical testing. Allele origin: unknown.

Eurofins Ntd Llc (ga)
Classification: Pathogenic. Last evaluated: 2016-12-27. Review status: criteria provided, single submitter. Criteria: EGL Classification Definitions 2015. Collection method: clinical testing. Allele origin: germline. Observed: 3 variant alleles, 3 heterozygotes.

Literature cited by the submitters: PubMed 10330340 (cited by Labcorp Genetics (formerly Invitae), Labcorp); PubMed 15689361 (cited by Labcorp Genetics (formerly Invitae), Labcorp).

NM_000070.3(CAPN3):c.2235C>A (p.Tyr745Ter)

Gene: CAPN3 (calpain 3; plus strand). Cytogenetic location: 15q15.1.
Variant type: single nucleotide variant.
Coding change: c.2235C>A on transcript NM_000070.3 (MANE Select); coding-DNA position 2235, C replaced by A.
Protein change: p.Tyr745Ter; replaces tyrosine 745 with a stop codon.
Molecular consequence: nonsense.
Genome position (GRCh38, 1-based): chr15:42,410,638, C>A. VCF-style: chr15-42410638-C-A. GRCh37 (hg19) VCF-style: chr15-42702836-C-A.
Other names: c.2217C>A, p.Tyr739Ter (NM_024344.2); c.1959C>A, p.Tyr653Ter (NM_173087.2); c.699C>A, p.Tyr233Ter (NM_173088.2); c.240C>A, p.Tyr80Ter (NM_173089.2, NM_173090.2); short protein forms Y745*, Y80*, Y739*, Y233*, Y653*.
Identifiers: ClinVar variation 499202 (VCV000499202.17), dbSNP rs147774793, ClinGen allele CA269853677.
Genomic context (GRCh38, chr15:42,410,638, plus strand): 5'-CTATTGCCAGAAAATTTTCAAACACTATGACACAGACCAGTCCGGCACCATCAACAGCTA[C>A]GAGATGCGAAATGCAGTCAACGACGCAGGTGCTGAGAAGGAAGGGGTGGCAGGGATGTGG-3'